The following is an entry in ClinVar:

ClinVar aggregate classification (germline): Uncertain significance (1 of 4 stars; one submission).

Allele frequency attached by ClinVar (database versions not stated): gnomAD exomes below 0.00001; TOPMed 0.00001.
gnomAD v4.1: 4 of 1,614,236 alleles (0.00025%); highest among the groups gnomAD compares: East Asian, 0.0045%; no homozygotes.

Submission:

GeneDx
Classification: Uncertain significance. Last evaluated: 2023-06-02. Review status: criteria provided, single submitter. Criteria: GeneDx Variant Classification Process June 2021. Collection method: clinical testing. Allele origin: germline. Affected: yes.
Comment: Not observed at significant frequency in large population cohorts (gnomAD); In silico analysis supports that this missense variant does not alter protein structure/function; Has not been previously published as pathogenic or benign to our knowledge

NM_182961.4(SYNE1):c.7421A>G (p.Tyr2474Cys)

Gene: SYNE1 (spectrin repeat containing nuclear envelope protein 1; minus strand). Cytogenetic location: 6q25.2.
Variant type: single nucleotide variant.
Coding change: c.7421A>G on transcript NM_182961.4 (MANE Select); coding-DNA position 7421, A replaced by G.
Protein change: p.Tyr2474Cys; replaces tyrosine 2474 with cysteine.
Molecular consequence: missense variant.
Genome position (GRCh38, 1-based): chr6:152,396,910, T>C on the plus strand (A>G on the coding strand, the complement: SYNE1 is on the minus strand). VCF-style: chr6-152396910-T-C. GRCh37 (hg19) VCF-style: chr6-152718045-T-C.
Other names: c.7442A>G, p.Tyr2481Cys (NM_033071.5); short protein forms Y2474C, Y2481C.
Identifiers: ClinVar variation 2507231 (VCV002507231.1), dbSNP rs368618293, ClinGen allele CA150194885.